The following is an entry in ClinVar:

NM_006514.4(SCN10A):c.3904C>T (p.Leu1302Phe)

Gene: SCN10A (sodium voltage-gated channel alpha subunit 10; minus strand). Cytogenetic location: 3p22.2.
Variant type: single nucleotide variant.
Coding change: c.3904C>T on transcript NM_006514.4 (MANE Select); coding-DNA position 3904, C replaced by T.
Protein change: p.Leu1302Phe; replaces leucine 1302 with phenylalanine.
Molecular consequence: missense variant.
Genome position (GRCh38, 1-based): chr3:38,712,346, G>A on the plus strand (C>T on the coding strand, the complement: SCN10A is on the minus strand). VCF-style: chr3-38712346-G-A. GRCh37 (hg19) VCF-style: chr3-38753837-G-A.
Other names: c.3901C>T, p.Leu1301Phe (NM_001293306.2); c.3610C>T, p.Leu1204Phe (NM_001293307.2); short protein forms L1302F, L1204F, L1301F.
Identifiers: ClinVar variation 4700587 (VCV004700587.1).

ClinVar aggregate classification (germline): Uncertain significance (1 of 4 stars; one submission).

Conditions:
Brugada syndrome. Also called: Sudden unexpected nocturnal death syndrome; Sudden Unexplained Death Syndrome; Sudden Unexplained Nocturnal Death Syndrome (SUNDS); Sudden unexplained nocturnal death syndrome. Identifiers: Orphanet 130, MedGen C1142166, MONDO:0015263.

gnomAD v4.1: 7 of 1,614,072 alleles (0.00043%); highest among the groups gnomAD compares: East Asian, 0.0022%; no homozygotes.

Submission:

Labcorp Genetics (formerly Invitae), Labcorp
Classification: Uncertain significance for Brugada syndrome. Last evaluated: 2025-09-20. Review status: criteria provided, single submitter. Criteria: Invitae Variant Classification Sherloc (09022015). Collection method: clinical testing. Allele origin: germline.
Comment: This sequence change replaces leucine, which is neutral and non-polar, with phenylalanine, which is neutral and non-polar, at codon 1302 of the SCN10A protein (p.Leu1302Phe). This variant is not present in population databases (gnomAD no frequency). This variant has not been reported in the literature in individuals affected with SCN10A-related conditions. An algorithm developed to predict the effect of missense changes on protein structure and function outputs the following: PolyPhen-2: "Benign". The phenylalanine amino acid residue is found in multiple mammalian species, which suggests that this missense change does not adversely affect protein function. In summary, the available evidence is currently insufficient to determine the role of this variant in disease. Therefore, it has been classified as a Variant of Uncertain Significance.